The following is an entry in ClinVar:

NM_001105206.3(LAMA4):c.2195G>T (p.Gly732Val)

Gene: LAMA4 (laminin subunit alpha 4; minus strand). Cytogenetic location: 6q21.
Variant type: single nucleotide variant.
Coding change: c.2195G>T on transcript NM_001105206.3 (MANE Select); coding-DNA position 2195, G replaced by T.
Protein change: p.Gly732Val; replaces glycine 732 with valine.
Molecular consequence: missense variant.
Genome position (GRCh38, 1-based): chr6:112,148,315, C>A on the plus strand (G>T on the coding strand, the complement: LAMA4 is on the minus strand). VCF-style: chr6-112148315-C-A. GRCh37 (hg19) VCF-style: chr6-112469517-C-A.
Other names: c.2174G>T, p.Gly725Val (NM_001105207.3, NM_002290.5); short protein forms G725V, G732V.
Identifiers: ClinVar variation 1482904 (VCV001482904.6), dbSNP rs781889038, ClinGen allele CA365383740.

ClinVar aggregate classification (germline): Uncertain significance (1 of 4 stars; one submission).

Conditions:
Dilated cardiomyopathy 1JJ (CMD1JJ). Identifiers: Orphanet 154, MedGen C3808935, MONDO:0014095, OMIM 615235.

gnomAD v4.1: 1 of 1,614,134 alleles (0.000062%); highest among the groups gnomAD compares: Non-Finnish European, 0.000085%; no homozygotes.

Submission:

Labcorp Genetics (formerly Invitae), Labcorp
Classification: Uncertain significance for Dilated cardiomyopathy 1JJ. Last evaluated: 2021-09-26. Review status: criteria provided, single submitter. Criteria: Invitae Variant Classification Sherloc (09022015). Collection method: clinical testing. Allele origin: germline.
Comment: In summary, the available evidence is currently insufficient to determine the role of this variant in disease. Therefore, it has been classified as a Variant of Uncertain Significance. Algorithms developed to predict the effect of missense changes on protein structure and function (SIFT, PolyPhen-2, Align-GVGD) all suggest that this variant is likely to be tolerated. This variant has not been reported in the literature in individuals affected with LAMA4-related conditions. This variant is not present in population databases (ExAC no frequency). This sequence change replaces glycine with valine at codon 725 of the LAMA4 protein (p.Gly725Val). The glycine residue is moderately conserved and there is a moderate physicochemical difference between glycine and valine.